The following is an entry in ClinVar:

NM_014956.5(CEP164):c.2740C>T (p.Arg914Trp)

Gene: CEP164 (centrosomal protein 164; plus strand). Cytogenetic location: 11q23.3.
Variant type: single nucleotide variant.
Coding change: c.2740C>T on transcript NM_014956.5 (MANE Select); coding-DNA position 2740, C replaced by T.
Protein change: p.Arg914Trp; replaces arginine 914 with tryptophan.
Molecular consequence: missense variant.
Genome position (GRCh38, 1-based): chr11:117,394,473, C>T. VCF-style: chr11-117394473-C-T. GRCh37 (hg19) VCF-style: chr11-117265189-C-T.
Other names: c.2749C>T, p.Arg917Trp (NM_001271933.2); c.2740C>T (NM_014956.4); short protein forms R914W, R917W.
Identifiers: ClinVar variation 1035733 (VCV001035733.10), dbSNP rs541217768, ClinGen allele CA6295195.

ClinVar aggregate classification (germline): Uncertain significance. Review status: criteria provided, multiple submitters, no conflicts (2 of 4 stars). 5 submissions from 5 submitters: Uncertain significance (5). Last evaluated 2026-03-19.

Conditions:
CEP164-related disorder. Also called: CEP164-related condition.
Inborn genetic diseases. Identifiers: MedGen C0950123, MeSH D030342.
Nephronophthisis 15 (NPHP15). Identifiers: Orphanet 3156, MedGen C3541853, MONDO:0013917, OMIM 614845.

Allele frequency attached by ClinVar (database versions not stated): TOPMed 0.00003; gnomAD 0.00004; ExAC 0.00008.
gnomAD v4.1: 122 of 1,613,706 alleles (0.0076%); highest among the groups gnomAD compares: Middle Eastern, 0.084%; no homozygotes.

Submissions (5):

PreventionGenetics, part of Exact Sciences
Classification: Uncertain significance for CEP164-related condition. Last evaluated: 2026-03-19. Review status: criteria provided, single submitter. Criteria: ACMG Guidelines, 2015. Collection method: clinical testing. Allele origin: germline.
Comment: The CEP164 c.2740C>T variant is predicted to result in the amino acid substitution p.Arg914Trp. To our knowledge, this variant has not been reported in the literature. This variant is reported in 0.020% of alleles in individuals of South Asian descent in gnomAD. At this time, the clinical significance of this variant is uncertain due to the absence of conclusive functional and genetic evidence.

Labcorp Genetics (formerly Invitae), Labcorp
Classification: Uncertain significance for Nephronophthisis 15. Last evaluated: 2025-11-16. Review status: criteria provided, single submitter. Criteria: Invitae Variant Classification Sherloc (09022015). Collection method: clinical testing. Allele origin: germline.
Comment: This sequence change replaces arginine, which is basic and polar, with tryptophan, which is neutral and slightly polar, at codon 914 of the CEP164 protein (p.Arg914Trp). This variant is present in population databases (rs541217768, gnomAD 0.02%). This variant has not been reported in the literature in individuals affected with CEP164-related conditions. ClinVar contains an entry for this variant (Variation ID: 1035733). Invitae Evidence Modeling of protein sequence and biophysical properties (such as structural, functional, and spatial information, amino acid conservation, physicochemical variation, residue mobility, and thermodynamic stability) indicates that this missense variant is not expected to disrupt CEP164 protein function with a negative predictive value of 80%. In summary, the available evidence is currently insufficient to determine the role of this variant in disease. Therefore, it has been classified as a Variant of Uncertain Significance.

Blueprint Genetics
Classification: Uncertain significance. Last evaluated: 2024-05-09. Review status: criteria provided, single submitter. Criteria: ACMG Guidelines, 2015. Collection method: clinical testing. Allele origin: germline.

Fulgent Genetics
Classification: Uncertain significance for Nephronophthisis 15. Last evaluated: 2024-01-13. Review status: criteria provided, single submitter. Criteria: ACMG Guidelines, 2015. Collection method: clinical testing. Allele origin: germline.

Ambry Genetics
Classification: Uncertain significance for Inborn genetic diseases. Last evaluated: 2023-12-27. Review status: criteria provided, single submitter. Criteria: Ambry Variant Classification Scheme 2023. Collection method: clinical testing. Allele origin: germline.